The following is an entry in ClinVar:

ClinVar aggregate classification (germline): Conflicting classifications of pathogenicity. Review status: criteria provided, conflicting classifications (1 of 4 stars). 10 submissions from 10 submitters: Pathogenic (2); Likely pathogenic (3); Uncertain significance (4). 1 of the submissions does not count toward it. Last evaluated 2026-09-02.

Conditions:
Autosomal recessive Alport syndrome (ATS2). Also called: Alport syndrome type 2; ALPORT SYNDROME 2, AUTOSOMAL RECESSIVE; COL4A3-Related Nephropathy; COL4A4 Alport Syndrome and Thin Basement Membrane Nephropathy. Identifiers: Orphanet 63, Orphanet 88919, MedGen C4746745, MONDO:0008762, OMIM 203780.
Hematuria, benign familial, 1 (BFH1). Also called: THIN MEMBRANE NEPHROPATHY. Identifiers: MedGen CN376803, MONDO:0007709, OMIM 141200.
COL4A4-related disorder.
Benign familial hematuria. Also called: thin basement membrane disease. Identifiers: MedGen C0241908, MONDO:0957317.
Alport syndrome. Also called: Hemorrhagic familial nephritis; Hemorrhagic hereditary nephritis; Congenital hereditary hematuria. Identifiers: Orphanet 63, MedGen C1567741, MONDO:0018965.

Allele frequency attached by ClinVar (database versions not stated): TOPMed 0.00003; ESP Exome Variant Server 0.00008; gnomAD 0.00004; ExAC 0.00003.
gnomAD v4.1: 65 of 1,614,004 alleles (0.004%); highest among the groups gnomAD compares: Non-Finnish European, 0.0049%; no homozygotes.

Submissions (10):

GeneDx
Classification: Uncertain significance. Last evaluated: 2026-09-02. Review status: criteria provided, single submitter. Criteria: GeneDx Variant Classification Process June 2021. Collection method: clinical testing. Allele origin: germline.
Comment: Reported in an individual with hematuria in published literature, however, renal and hearing loss evaluations were not performed on this child (PMID: 26934356); In silico analysis supports that this missense variant has a deleterious effect on protein structure/function; Affects a glycine residue in a Gly-X-Y motif in the triple helical region of the COL4A4 gene; This variant is associated with the following publications: (PMID: 32647767, 34426522, 26934356)

Women's Health and Genetics/Laboratory Corporation of America, LabCorp
Classification: Uncertain significance. Last evaluated: 2025-12-08. Review status: criteria provided, single submitter. Criteria: LabCorp Variant Classification Summary - May 2015. Collection method: clinical testing. Allele origin: germline.
Comment: Variant summary: COL4A4 c.2986G>A (p.Gly996Arg) results in a non-conservative amino acid change in the encoded protein sequence. Algorithms developed to predict the effect of missense changes on protein structure and function all suggest that this variant is likely to be disruptive. The variant allele was found at a frequency of 2.8e-05 in 249466 control chromosomes (gnomAD). The available data on variant occurrences in the general population are insufficient to allow any conclusion about variant significance. c.2986G>A has been observed in individuals affected with Alport Syndrome and hematuria/proteinuria (Kovcs_2016, Li_2020). These reports do not provide unequivocal conclusions about association of the variant with Alport Syndrome, Autosomal Recessive. To our knowledge, no experimental evidence demonstrating an impact on protein function has been reported. The following publications have been ascertained in the context of this evaluation (PMID: 33003980, 26934356, 32647767). ClinVar contains an entry for this variant (Variation ID: 222055). Based on the evidence outlined above, the variant was classified as uncertain significance.

Natera, Inc.
Classification: Likely pathogenic for Alport syndrome. Last evaluated: 2025-09-03. Review status: criteria provided, single submitter. Criteria: Natera Variant Classification Schema (03/2026). Collection method: clinical testing. Allele origin: germline.
Comment: The c.2986G>A variant in COL4A4 is a missense variant predicted to cause substitution of glycine to arginine at amino acid 996. This variant is rare in the general population with a frequency below the threshold expected for the associated phenotype(s). This variant is located in a functionally critical region of the protein. Computational prediction algorithms indicate this variant is likely to affect gene or protein function. Given the available evidence, this variant is classified as Likely Pathogenic.

Labcorp Genetics (formerly Invitae), Labcorp
Classification: Uncertain significance. Last evaluated: 2025-04-11. Review status: criteria provided, single submitter. Criteria: Invitae Variant Classification Sherloc (09022015). Collection method: clinical testing. Allele origin: germline.
Comment: This sequence change replaces glycine, which is neutral and non-polar, with arginine, which is basic and polar, at codon 996 of the COL4A4 protein (p.Gly996Arg). This variant is present in population databases (rs370474706, gnomAD 0.008%). This missense change has been observed in individual(s) with hematuria and/or proteinuria (PMID: 26934356, 32647767). ClinVar contains an entry for this variant (Variation ID: 222055). Invitae Evidence Modeling of protein sequence and biophysical properties (such as structural, functional, and spatial information, amino acid conservation, physicochemical variation, residue mobility, and thermodynamic stability) indicates that this missense variant is expected to disrupt COL4A4 protein function with a positive predictive value of 95%. In summary, the available evidence is currently insufficient to determine the role of this variant in disease. Therefore, it has been classified as a Variant of Uncertain Significance.

First Genomix Gene Laboratory, Genetic Diagnostics Department
Classification: Likely pathogenic for Autosomal recessive Alport syndrome. Last evaluated: 2025-01-17. Review status: criteria provided, single submitter. Criteria: ACMG Guidelines, 2015. Collection method: clinical testing. Allele origin: germline. Inheritance: Autosomal recessive inheritance. Affected: no. Observed: 1 variant allele.

Blueprint Genetics
Classification: Uncertain significance. Last evaluated: 2024-07-08. Review status: criteria provided, single submitter. Criteria: ACMG Guidelines, 2015. Collection method: clinical testing. Allele origin: germline.

Fulgent Genetics
Classification: Pathogenic for Hematuria, benign familial, 1; Autosomal recessive Alport syndrome. Last evaluated: 2024-06-18. Review status: criteria provided, single submitter. Criteria: ACMG Guidelines, 2015. Collection method: clinical testing. Allele origin: germline.

Eurofins-Biomnis
Classification: Likely pathogenic for Hematuria, benign familial, 1. Last evaluated: 2022-11-18. Review status: criteria provided, single submitter. Criteria: Accession Criteria ClinVar Biomnis. Collection method: clinical testing. Allele origin: germline. Affected: yes. Observed: 1 heterozygote.

Genetic Diagnostic Laboratory, University of Szeged
Classification: Pathogenic for Hematuria, benign familial, 1. Last evaluated: 2016-02-02. Review status: criteria provided, single submitter. Criteria: Genetic Diagnostic Assertion Criteria ver.1 Jan.2016. Collection method: clinical testing. Allele origin: de novo. Affected: yes. Observed: 1 variant allele.

PreventionGenetics, part of Exact Sciences
Classification: Pathogenic for COL4A4-related condition. Last evaluated: 2024-06-25. Review status: no assertion criteria provided. Collection method: clinical testing. Allele origin: germline. Not counted in ClinVar's aggregate classification.
Comment: The COL4A4 c.2986G>A variant is predicted to result in the amino acid substitution p.Gly996Arg. This variant has been reported in at least two patients with Alport syndrome and IgA related neuropathy (Kovács et al. 2016. PubMed ID: 26934356; Li et al. 2020. PubMed ID: 2647767). This variant is reported in 0.0070% of alleles in individuals of European (Non-Finnish) descent in gnomAD. The p.Gly996Arg variant affects a Gly residue of the conserved triple helical domain (residues 65 – 1459) of the COL4A4 protein. The majority of pathogenic variants in COL4A4 substitute a glycine residue to a bulkier amino acid in the triple-helical domain (Hudson et al. 1993. PubMed ID: 8253711). This variant is interpreted as pathogenic.

Literature cited by the submitters: PubMed 26934356 (cited by Women's Health and Genetics/Laboratory Corporation of America, LabCorp and Labcorp Genetics (formerly Invitae), Labcorp); PubMed 33003980 (cited by Women's Health and Genetics/Laboratory Corporation of America, LabCorp); PubMed 32647767 (cited by Women's Health and Genetics/Laboratory Corporation of America, LabCorp and Labcorp Genetics (formerly Invitae), Labcorp).

NM_000092.5(COL4A4):c.2986G>A (p.Gly996Arg)

Gene: COL4A4 (collagen type IV alpha 4 chain; minus strand). Cytogenetic location: 2q36.3.
Variant type: single nucleotide variant.
Coding change: c.2986G>A on transcript NM_000092.5 (MANE Select); coding-DNA position 2986, G replaced by A.
Protein change: p.Gly996Arg; replaces glycine 996 with arginine.
Molecular consequence: missense variant.
Genome position (GRCh38, 1-based): chr2:227,051,141, C>T on the plus strand (G>A on the coding strand, the complement: COL4A4 is on the minus strand). VCF-style: chr2-227051141-C-T. GRCh37 (hg19) VCF-style: chr2-227915857-C-T.
Other names: short protein forms G996R.
Identifiers: ClinVar variation 222055 (VCV000222055.19), dbSNP rs370474706, ClinGen allele CA352336.